The following is an entry in ClinVar:

ClinVar aggregate classification (germline): Uncertain significance (1 of 4 stars; one submission).

Submission:

GeneDx
Classification: Uncertain significance. Last evaluated: 2013-11-25. Review status: criteria provided, single submitter. Criteria: GeneDx Variant Classification (06012015). Collection method: clinical testing. Allele origin: germline. Affected: yes.
Comment: p.Lys190Thr (AAG>ACG): c.569 A>C in exon 11 of the TNNT2 gene (NM_001001430.1). The Lys190Thr variant in the TNNT2 gene has not been reported as a disease-causing mutation or as a benign polymorphism to our knowledge. The Lys190Thr variant is a semi-conservative amino acid substitution as these residues share similar properties, but differ in size, charge, or other properties which may impact secondary structure. The Lys190 residue is class conserved across species. In silico analysis predicts Lys190Thr is probably damaging to the protein structure/function. Mutations in nearby residues (Ser179Phe, Arg205Trp) have been reported in association with cardiomyopathy, supporting the functional importance of this region of the protein. The Lys190Thr variant was not observed in approximately 6,500 individuals of European and African American ancestry in the NHLBI Exome Sequencing Project, indicating it is not a common benign variant in these populations. With the clinical and molecular information available at this time, we cannot definitively determine if Lys190Thr is a disease-causing mutation or a rare benign variant. Hereditary dilated cardiomyopathy (DCM) is primarily an autosomal dominant disease characterized by left ventricular enlargement and systolic dysfunction in the absence of other cardiac, systemic or environmental causes (Hershberger R et al., 2009). Left ventricular noncompaction (LVNC) is a rare cardiomyopathy characterized by deep trabeculations with intertrabecular recesses in the ventricular wall (Callis T et al., 2010). LVNC and DCM can lead to progressive deterioration of cardiac function, arrhythmias, and sudden cardiac death, although some individuals may be asymptomatic. Hereditary DCM is most frequently caused by mutations in genes encoding for sarcomeric proteins in the cardiac muscle, or in the gene encoding the nuclear envelope protein lamin A/C (LMNA). Less commonly, DCM and LVNC can be caused by mutations in genes associated with metabolic or mitochondrial disorders (Callis T et al., 2010; Hershberger R et al., 2009). Mutations in the TNNT2 gene have been reported in 5-15% of patients with autosomal dominant familial hypertrophic cardiomyopathy, often characterized by minimal left ventricular hypertrophy (LVH) but a high incidence of sudden cardiac death (Moolman J et al., 1997; Cirino A et al., 2011). Mutations in TNNT2 have been reported less frequently in association with autosomal dominant familial dilated cardiomyopathy (Hershberger R et al., 2009). The variant is found in DCM-CRDM panel(s).

NM_001276345.2(TNNT2):c.599A>C (p.Lys200Thr)

Gene: TNNT2 (troponin T2, cardiac type; minus strand). Cytogenetic location: 1q32.1.
Variant type: single nucleotide variant.
Coding change: c.599A>C on transcript NM_001276345.2 (MANE Select); coding-DNA position 599, A replaced by C.
Protein change: p.Lys200Thr; replaces lysine 200 with threonine.
Molecular consequence: missense variant.
Genome position (GRCh38, 1-based): chr1:201,363,297, T>G on the plus strand (A>C on the coding strand, the complement: TNNT2 is on the minus strand). VCF-style: chr1-201363297-T-G. GRCh37 (hg19) VCF-style: chr1-201332425-T-G.
Other names: p.K190T:AAG>ACG; c.599A>C, p.Lys200Thr (NM_000364.4); c.569A>C, p.Lys190Thr (NM_001001430.3, NM_001001431.3, NM_001276347.2); c.554A>C, p.Lys185Thr (NM_001001432.3); c.479A>C, p.Lys160Thr (NM_001276346.2); short protein forms K190T, K200T, K160T, K185T.
Identifiers: ClinVar variation 181623 (VCV000181623.2), dbSNP rs730881105, ClinGen allele CA004766.